The following is an entry in ClinVar:

NM_024741.3(ZNF408):c.235G>A (p.Gly79Arg)

Gene: ZNF408 (zinc finger protein 408; plus strand). Cytogenetic location: 11p11.2.
Variant type: single nucleotide variant.
Coding change: c.235G>A on transcript NM_024741.3 (MANE Select); coding-DNA position 235, G replaced by A.
Protein change: p.Gly79Arg; replaces glycine 79 with arginine.
Molecular consequence: missense variant.
Genome position (GRCh38, 1-based): chr11:46,701,581, G>A. VCF-style: chr11-46701581-G-A. GRCh37 (hg19) VCF-style: chr11-46723131-G-A.
Other names: c.211G>A, p.Gly71Arg (NM_001184751.2); short protein forms G71R, G79R.
Identifiers: ClinVar variation 1488169 (VCV001488169.9), dbSNP rs757133926, ClinGen allele CA5966270.
Genomic context (GRCh38, chr11:46,701,581, plus strand): 5'-CGGGGCTTGGCCCTTGGCCCCTCACTCGCCAAGGAACAGCGCTTGGGGGTCTGGTGTGTC[G>A]GGGACCCCCTGCAGCCCGGCCTGCTGTGGGGGCCGCTGGAAGAGGAGTCTGCCTCCAAGG-3'
Protein context (NP_079017.1, residues 69-89): KEQRLGVWCV[Gly79Arg]DPLQPGLLWG

ClinVar aggregate classification (germline): Uncertain significance. Review status: criteria provided, multiple submitters, no conflicts (2 of 4 stars). 2 submissions from 2 submitters: Uncertain significance (2). Last evaluated 2026-01-05.

Allele frequency attached by ClinVar (database versions not stated): gnomAD 0.00002; TOPMed 0.00002; ExAC 0.00003; gnomAD exomes 0.00003.
gnomAD v4.1: 40 of 1,612,466 alleles (0.0025%); highest among the groups gnomAD compares: Non-Finnish European, 0.0032%; no homozygotes.

Submissions (2):

Labcorp Genetics (formerly Invitae), Labcorp
Classification: Uncertain significance. Last evaluated: 2026-01-05. Review status: criteria provided, single submitter. Criteria: Invitae Variant Classification Sherloc (09022015). Collection method: clinical testing. Allele origin: germline.
Comment: This sequence change replaces glycine, which is neutral and non-polar, with arginine, which is basic and polar, at codon 79 of the ZNF408 protein (p.Gly79Arg). This variant is present in population databases (rs757133926, gnomAD 0.006%). This variant has not been reported in the literature in individuals affected with ZNF408-related conditions. ClinVar contains an entry for this variant (Variation ID: 1488169). An algorithm developed to predict the effect of missense changes on protein structure and function (PolyPhen-2) suggests that this variant is likely to be disruptive. In summary, the available evidence is currently insufficient to determine the role of this variant in disease. Therefore, it has been classified as a Variant of Uncertain Significance.

Blueprint Genetics
Classification: Uncertain significance. Last evaluated: 2024-08-16. Review status: criteria provided, single submitter. Criteria: ACMG Guidelines, 2015. Collection method: clinical testing. Allele origin: germline.